The following is an entry in ClinVar:

ClinVar aggregate classification (germline): Uncertain significance (1 of 4 stars; one submission).

Conditions:
Walker-Warburg congenital muscular dystrophy. Also called: Muscular dystrophy-dystroglycanopathy, type A; Walker-Warburg syndrome. Identifiers: Orphanet 899, MedGen C0265221, MONDO:0000171.

Allele frequency attached by ClinVar (database versions not stated): gnomAD exomes below 0.00001; TOPMed below 0.00001.

Submission:

Labcorp Genetics (formerly Invitae), Labcorp
Classification: Uncertain significance for Walker-Warburg congenital muscular dystrophy. Last evaluated: 2021-09-24. Review status: criteria provided, single submitter. Criteria: Invitae Variant Classification Sherloc (09022015). Collection method: clinical testing. Allele origin: germline.
Comment: This sequence change replaces phenylalanine with leucine at codon 287 of the FKRP protein (p.Phe287Leu). The phenylalanine residue is moderately conserved and there is a small physicochemical difference between phenylalanine and leucine. The frequency data for this variant in the population databases is considered unreliable, as metrics indicate insufficient coverage at this position in the ExAC database. This variant has not been reported in the literature in individuals with FKRP-related conditions. Algorithms developed to predict the effect of missense changes on protein structure and function are either unavailable or do not agree on the potential impact of this missense change (SIFT: "Deleterious"; PolyPhen-2: "Benign"; Align-GVGD: "Class C0"). In summary, the available evidence is currently insufficient to determine the role of this variant in disease. Therefore, it has been classified as a Variant of Uncertain Significance.

NM_024301.5(FKRP):c.859T>C (p.Phe287Leu)

Gene: FKRP (fukutin related protein; plus strand). Cytogenetic location: 19q13.32.
Variant type: single nucleotide variant.
Coding change: c.859T>C on transcript NM_024301.5 (MANE Select); coding-DNA position 859, T replaced by C.
Protein change: p.Phe287Leu; replaces phenylalanine 287 with leucine.
Molecular consequence: missense variant.
Genome position (GRCh38, 1-based): chr19:46,756,309, T>C. VCF-style: chr19-46756309-T-C. GRCh37 (hg19) VCF-style: chr19-47259566-T-C.
Other names: c.859T>C, p.Phe287Leu (NM_001039885.3); short protein forms F287L.
Identifiers: ClinVar variation 1520891 (VCV001520891.5), dbSNP rs2054920778, ClinGen allele CA406496156.